The following is an entry in ClinVar:

NM_020117.11(LARS1):c.2536G>A (p.Glu846Lys)

Gene: LARS1 (leucyl-tRNA synthetase 1; minus strand). Cytogenetic location: 5q32.
Variant type: single nucleotide variant.
Coding change: c.2536G>A on transcript NM_020117.11 (MANE Select); coding-DNA position 2536, G replaced by A.
Protein change: p.Glu846Lys; replaces glutamic acid 846 with lysine.
Molecular consequence: missense variant.
Genome position (GRCh38, 1-based): chr5:146,130,110, C>T on the plus strand (G>A on the coding strand, the complement: LARS1 is on the minus strand). VCF-style: chr5-146130110-C-T. GRCh37 (hg19) VCF-style: chr5-145509673-C-T.
Other names: c.2398G>A, p.Glu800Lys (NM_001317964.2); c.2374G>A, p.Glu792Lys (NM_001317965.2); c.2455G>A, p.Glu819Lys (NM_016460.4); short protein forms E792K, E800K, E819K, E846K.
Identifiers: ClinVar variation 3906632 (VCV003906632.1).

ClinVar aggregate classification (germline): Uncertain significance (1 of 4 stars; one submission).

gnomAD v4.1: 59 of 1,613,816 alleles (0.0037%); highest among the groups gnomAD compares: Non-Finnish European, 0.0048%; 1 homozygote.

Submission:

GeneDx
Classification: Uncertain significance. Last evaluated: 2024-12-17. Review status: criteria provided, single submitter. Criteria: GeneDx Variant Classification Process June 2021. Collection method: clinical testing. Allele origin: germline. Affected: yes.
Comment: Not observed at significant frequency in large population cohorts (gnomAD); In silico analysis indicates that this missense variant does not alter protein structure/function; Has not been previously published as pathogenic or benign to our knowledge